The following is an entry in ClinVar:

ClinVar aggregate classification (germline): Conflicting classifications of pathogenicity. Review status: criteria provided, conflicting classifications (1 of 4 stars). 4 submissions from 4 submitters: Likely pathogenic (1); Uncertain significance (2). 1 of the submissions does not count toward it. Last evaluated 2024-03-22.

Conditions:
Epilepsy, progressive myoclonic, 12. Identifiers: MedGen C5543069, MONDO:0030936, OMIM 619191.
Generalized myoclonic seizure. Also called: Myoclonic seizures; Generalized myoclonic seizures. Identifiers: MedGen C4021759, HP:0002123.

Allele frequency attached by ClinVar (database versions not stated): ExAC 0.00002; gnomAD 0.00006 and 0.00007; TOPMed 0.00006; 1000 Genomes Project 0.00040; 1000 Genomes Project 30x 0.00047.

Submissions (4):

Ambry Genetics
Classification: Uncertain significance. Last evaluated: 2024-03-22. Review status: criteria provided, single submitter. Criteria: Ambry Variant Classification Scheme 2023. Collection method: clinical testing. Allele origin: germline.
Comment: The c.191A>G (p.Q64R) alteration is located in exon 1 (coding exon 1) of the SLC7A6OS gene. This alteration results from an A to G substitution at nucleotide position 191, causing the glutamine (Q) at amino acid position 64 to be replaced by an arginine (R). Based on data from gnomAD, the G allele has an overall frequency of 0.003% (7/247390) total alleles studied. This alteration was reported homozygous in six individuals from two unrelated families with progressive myoclonus epilepsy (Mazzola, 2021). This nucleotide position is highly conserved in available vertebrate species. This amino acid position is well conserved in available vertebrate species. Functional analysis demonstrated that this alteration causes abnormal splicing (Mazzola, 2021). This alteration is predicted to be tolerated by in silico analysis. In silico splice site analysis predicts that this alteration will weaken the native splice donor site. Based on insufficient or conflicting evidence, the clinical significance of this alteration remains unclear.

GeneDx
Classification: Uncertain significance. Last evaluated: 2021-12-02. Review status: criteria provided, single submitter. Criteria: GeneDx Variant Classification Process June 2021. Collection method: clinical testing. Allele origin: germline. Affected: yes.
Comment: Published functional studies suggest a damaging effect as this variant leads to an alternative splice site (Mazzola et al, 2021); however, additional studies are needed to validate the functional effect of this variant in vivo.; Variants in candidate genes are classified as variants of uncertain significance in accordance with ACMG guidelines (Richards et al., 2015); This variant is associated with the following publications: (PMID: 33085104)

Cytogénomique, Hospices Civils de Lyon
Classification: Likely pathogenic for Generalized myoclonic seizure. Review status: criteria provided, single submitter. Criteria: ACMG Guidelines, 2015. Collection method: clinical testing. Allele origin: inherited. Inheritance: Autosomal recessive inheritance. Affected: yes.

OMIM
Classification: Pathogenic for EPILEPSY, PROGRESSIVE MYOCLONIC, 12. Last evaluated: 2021-02-24. Review status: no assertion criteria provided. Collection method: literature only. Allele origin: germline. Not counted in ClinVar's aggregate classification.

Literature cited by the submitters: PubMed 33085104 (cited by Ambry Genetics and OMIM).

NM_032178.3(SLC7A6OS):c.191A>G (p.Gln64Arg)

Genes: PRMT7 (protein arginine methyltransferase 7; plus strand), SLC7A6OS (solute carrier family 7 member 6 opposite strand; minus strand). Cytogenetic location: 16q22.1.
Variant type: single nucleotide variant.
Coding change: c.191A>G on transcript NM_032178.3 (MANE Select); coding-DNA position 191, A replaced by G.
Protein change: p.Gln64Arg; replaces glutamine 64 with arginine.
Molecular consequence: missense variant.
Genome position (GRCh38, 1-based): chr16:68,310,736, T>C on the plus strand (A>G on the coding strand, the complement: SLC7A6OS is on the minus strand). VCF-style: chr16-68310736-T-C. GRCh37 (hg19) VCF-style: chr16-68344639-T-C.
Other names: 191A-G; short protein forms Q64R.
Identifiers: ClinVar variation 973432 (VCV000973432.5), dbSNP rs190706099, ClinGen allele CA8126820.